The following is an entry in ClinVar:

ClinVar aggregate classification (germline): Conflicting classifications of pathogenicity. Review status: criteria provided, conflicting classifications (1 of 4 stars). 4 submissions from 4 submitters: Uncertain significance (3); Likely benign (1). Last evaluated 2024-05-30.

Conditions:
Hereditary cancer-predisposing syndrome. Also called: Hereditary Cancer Syndrome; Tumor predisposition; Neoplastic Syndromes, Hereditary; Hereditary neoplastic syndrome. Identifiers: Orphanet 140162, MedGen C0027672, MeSH D009386, MONDO:0015356.
BRCA2-related cancer predisposition. Identifiers: MedGen CN377758, MONDO:0700269.
Hereditary breast ovarian cancer syndrome. Also called: Hereditary breast and ovarian cancer syndrome (HBOC); Hereditary breast and/or ovarian cancer syndrome; BRCA1- and BRCA2-Associated Hereditary Breast and Ovarian Cancer; Hereditary breast and ovarian cancer syndrome; Hereditary breast and ovarian cancer; Breast and ovarian cancer. Identifiers: Orphanet 145, MedGen C0677776, MeSH D061325, MONDO:0003582. Disease mechanism: loss of function.

Allele frequency attached by ClinVar (database versions not stated): gnomAD exomes below 0.00001; TOPMed below 0.00001.
gnomAD v4.1: 1 of 1,612,626 alleles (0.000062%); highest among the groups gnomAD compares: Non-Finnish European, 0.000085%; no homozygotes.

Submissions (4):

All of Us Research Program, National Institutes of Health
Classification: Uncertain significance for BRCA2-related cancer predisposition. Last evaluated: 2024-05-30. Review status: criteria provided, single submitter. Criteria: ACMG Guidelines, 2015. Collection method: clinical testing. Allele origin: germline. Inheritance: Autosomal dominant inheritance. Observed: 1 variant allele, 1 heterozygote.
Comment: This missense variant replaces isoleucine with valine at codon 979 of the BRCA2 protein. Computational prediction suggests that this variant may not impact protein structure and function. To our knowledge, functional studies have not been reported for this variant. This variant has not been reported in individuals affected with BRCA2-related disorders in the literature. This variant has not been identified in the general population by the Genome Aggregation Database (gnomAD). The available evidence is insufficient to determine the role of this variant in disease conclusively. Therefore, this variant is classified as a Variant of Uncertain Significance.

This study involves interpretation of variants in research participants for the purpose of population health screening. Participant phenotype was not available at the time of variant classification. Additional details can be found in publication PMID: 35346344, PMCID: PMC8962531

Labcorp Genetics (formerly Invitae), Labcorp
Classification: Uncertain significance for Hereditary breast ovarian cancer syndrome. Last evaluated: 2024-03-20. Review status: criteria provided, single submitter. Criteria: Invitae Variant Classification Sherloc (09022015). Collection method: clinical testing. Allele origin: germline.
Comment: This sequence change replaces isoleucine, which is neutral and non-polar, with valine, which is neutral and non-polar, at codon 979 of the BRCA2 protein (p.Ile979Val). This variant is not present in population databases (gnomAD no frequency). This variant has not been reported in the literature in individuals affected with BRCA2-related conditions. ClinVar contains an entry for this variant (Variation ID: 1014837). Advanced modeling of protein sequence and biophysical properties (such as structural, functional, and spatial information, amino acid conservation, physicochemical variation, residue mobility, and thermodynamic stability) performed at Invitae indicates that this missense variant is not expected to disrupt BRCA2 protein function with a negative predictive value of 95%. In summary, the available evidence is currently insufficient to determine the role of this variant in disease. Therefore, it has been classified as a Variant of Uncertain Significance.

Ambry Genetics
Classification: Uncertain significance for Hereditary cancer-predisposing syndrome. Last evaluated: 2024-02-04. Review status: criteria provided, single submitter. Criteria: Ambry Variant Classification Scheme 2023. Collection method: clinical testing. Allele origin: germline.
Comment: The p.I979V variant (also known as c.2935A>G), located in coding exon 10 of the BRCA2 gene, results from an A to G substitution at nucleotide position 2935. The isoleucine at codon 979 is replaced by valine, an amino acid with highly similar properties. This amino acid position is conserved. In addition, this alteration is predicted to be tolerated by in silico analysis. Based on the available evidence, the clinical significance of this alteration remains unclear.

University of Washington Department of Laboratory Medicine, University of Washington
Classification: Likely benign for Hereditary cancer-predisposing syndrome. Last evaluated: 2023-03-23. Review status: criteria provided, single submitter. Criteria: Dines et al. (Genet Med. 2020). Collection method: curation. Allele origin: germline.
Comment: Missense variant in a coldspot region where missense variants are very unlikely to be pathogenic (PMID:31911673).

BRCA2 exon 11 coldspot. Reclassification based on statistical prior probability.

NM_000059.4(BRCA2):c.2935A>G (p.Ile979Val)

Gene: BRCA2 (BRCA2 DNA repair associated; plus strand). Cytogenetic location: 13q13.1.
Variant type: single nucleotide variant.
Coding change: c.2935A>G on transcript NM_000059.4 (MANE Select); coding-DNA position 2935, A replaced by G.
Protein change: p.Ile979Val; replaces isoleucine 979 with valine.
Molecular consequence: missense variant.
Genome position (GRCh38, 1-based): chr13:32,337,290, A>G. VCF-style: chr13-32337290-A-G. GRCh37 (hg19) VCF-style: chr13-32911427-A-G.
Other names: c.2935A>G (NM_000059.3); short protein forms I979V.
Identifiers: ClinVar variation 1014837 (VCV001014837.12), dbSNP rs2072468286, ClinGen allele CA387774269.